The following is an entry in ClinVar:

NM_005245.4(FAT1):c.13290C>T (p.Asp4430=)

Genes: FAT1 (FAT atypical cadherin 1; minus strand), LOC126807253 (BRD4-independent group 4 enhancer GRCh37_chr4:187509297-187510496; plus strand). Cytogenetic location: 4q35.2.
Variant type: single nucleotide variant.
Coding change: c.13290C>T on transcript NM_005245.4 (MANE Select); coding-DNA position 13290, C replaced by T.
Protein change: p.Asp4430=; no amino-acid change (aspartic acid 4430 retained).
Molecular consequence: synonymous variant.
Genome position (GRCh38, 1-based): chr4:186,589,069, G>A on the plus strand (C>T on the coding strand, the complement: FAT1 is on the minus strand). VCF-style: chr4-186589069-G-A. GRCh37 (hg19) VCF-style: chr4-187510223-G-A.
Identifiers: ClinVar variation 3351928 (VCV003351928.1).
Genomic context (GRCh38, chr4:186,589,069, plus strand): 5'-CGGTGGTAGCTCATCAGCTGCGGGGAAGTCTTCTGGGGGTGGAGGAAAATCACTTTCGAT[G>A]TCGTAGCCTCCAGGGTAATAGTCCGTATCGATGGCGTTTGGATCTGCTGAGTACAGGGGT-3'
Protein context (NP_005236.2, residues 4420-4440): IDTDYYPGGY[Asp4430=]IESDFPPPPE

ClinVar aggregate classification (germline): Likely benign (0 of 4 stars; one submission).

Conditions:
FAT1-related disorder. Also called: FAT1-related condition.

Submission:

PreventionGenetics, part of Exact Sciences
Classification: Likely benign for FAT1-related condition. Last evaluated: 2022-12-16. Review status: no assertion criteria provided. Collection method: clinical testing. Allele origin: germline.
Comment: This variant is classified as likely benign based on ACMG/AMP sequence variant interpretation guidelines (Richards et al. 2015 PMID: 25741868, with internal and published modifications).